The following is an entry in ClinVar:

ClinVar aggregate classification (germline): Uncertain significance (1 of 4 stars; one submission).

Submission:

GeneDx
Classification: Uncertain significance. Last evaluated: 2025-05-29. Review status: criteria provided, single submitter. Criteria: GeneDx Variant Classification Process June 2021. Collection method: clinical testing. Allele origin: germline. Affected: yes.
Comment: Not observed at significant frequency in large population cohorts (gnomAD); In silico analysis suggests that this missense variant does not alter protein structure/function; Has not been previously published as pathogenic or benign to our knowledge

NM_005660.3(SLC35A2):c.100C>A (p.Arg34Ser)

Gene: SLC35A2 (solute carrier family 35 member A2; minus strand). Cytogenetic location: Xp11.23.
Variant type: single nucleotide variant.
Coding change: c.100C>A on transcript NM_005660.3 (MANE Select); coding-DNA position 100, C replaced by A.
Protein change: p.Arg34Ser; replaces arginine 34 with serine.
Molecular consequence: missense variant. On other transcripts: intron variant (1).
Genome position (GRCh38, 1-based): chrX:48,909,988, G>T on the plus strand (C>A on the coding strand, the complement: SLC35A2 is on the minus strand). VCF-style: chrX-48909988-G-T. GRCh37 (hg19) VCF-style: chrX-48767265-G-T.
Other names: c.100C>A, p.Arg34Ser (NM_001032289.3, NM_001042498.3, NM_001282647.2); c.28C>A, p.Arg10Ser (NM_001282648.2); c.139C>A, p.Arg47Ser (NM_001282650.2); c.184C>A, p.Arg62Ser (NM_001282651.2); c.91+1558C>A (NM_001282649.2); short protein forms R10S, R34S, R47S, R62S.
Identifiers: ClinVar variation 4532681 (VCV004532681.1).